The following is an entry in ClinVar:

ClinVar aggregate classification (germline): Likely benign. Review status: criteria provided, multiple submitters, no conflicts (2 of 4 stars). 2 submissions from 2 submitters: Likely benign (2). Last evaluated 2026-06-01.

gnomAD v4.1: 2 of 1,612,960 alleles (0.00012%); highest among the groups gnomAD compares: Admixed American, 0.0017%; no homozygotes.

Submissions (2):

CeGaT Center for Human Genetics Tuebingen
Classification: Likely benign. Last evaluated: 2026-06-01. Review status: criteria provided, single submitter. Criteria: CeGaT Center For Human Genetics Tuebingen Variant Classification Criteria Version 2. Collection method: clinical testing. Allele origin: germline. Affected: yes. Observed: 1 variant allele.
Comment: COL11A1: BP4, BP7

Blueprint Genetics
Classification: Likely benign. Last evaluated: 2024-05-07. Review status: criteria provided, single submitter. Criteria: ACMG Guidelines, 2015. Collection method: clinical testing. Allele origin: germline.

NM_001854.4(COL11A1):c.1401C>T (p.Asp467=)

Gene: COL11A1 (collagen type XI alpha 1 chain; minus strand). Cytogenetic location: 1p21.1.
Variant type: single nucleotide variant.
Coding change: c.1401C>T on transcript NM_001854.4 (MANE Select); coding-DNA position 1401, C replaced by T.
Protein change: p.Asp467=; no amino-acid change (aspartic acid 467 retained).
Molecular consequence: synonymous variant. On other transcripts: non-coding transcript variant (1).
Genome position (GRCh38, 1-based): chr1:103,017,832, G>A on the plus strand (C>T on the coding strand, the complement: COL11A1 is on the minus strand). VCF-style: chr1-103017832-G-A. GRCh37 (hg19) VCF-style: chr1-103483388-G-A.
Other names: c.1053C>T, p.Asp351= (NM_080630.4); c.1284C>T, p.Asp428= (NM_001190709.2); c.1437C>T, p.Asp479= (NM_080629.3).
Identifiers: ClinVar variation 4875170 (VCV004875170.3).